The following is an entry in ClinVar:

ClinVar aggregate classification (germline): Uncertain significance (1 of 4 stars; one submission).

Conditions:
Charcot-Marie-Tooth disease axonal type 2Z. Also called: CHARCOT-MARIE-TOOTH DISEASE, AXONAL, AUTOSOMAL DOMINANT, TYPE 2Z; CHARCOT-MARIE-TOOTH NEUROPATHY, TYPE 2Z. Identifiers: Orphanet 466768, MedGen C5569025, MONDO:0014736, OMIM 616688.

Submission:

Labcorp Genetics (formerly Invitae), Labcorp
Classification: Uncertain significance for Charcot-Marie-Tooth disease axonal type 2Z. Last evaluated: 2019-12-11. Review status: criteria provided, single submitter. Criteria: Invitae Variant Classification Sherloc (09022015). Collection method: clinical testing. Allele origin: germline.
Comment: In summary, the available evidence is currently insufficient to determine the role of this variant in disease. Therefore, it has been classified as a Variant of Uncertain Significance. Algorithms developed to predict the effect of missense changes on protein structure and function output the following: SIFT: "Not Available"; PolyPhen-2: "Benign"; Align-GVGD: "Not Available". The serine amino acid residue is found in multiple mammalian species, suggesting that this missense change does not adversely affect protein function. These predictions have not been confirmed by published functional studies and their clinical significance is uncertain. This variant has not been reported in the literature in individuals with MORC2-related conditions. This variant is not present in population databases (ExAC no frequency). This sequence change replaces glycine with serine at codon 818 of the MORC2 protein (p.Gly818Ser). The glycine residue is moderately conserved and there is a small physicochemical difference between glycine and serine.

NM_001303256.3(MORC2):c.2452G>A (p.Gly818Ser)

Gene: MORC2 (MORC family CW-type zinc finger 2; minus strand). Cytogenetic location: 22q12.2.
Variant type: single nucleotide variant.
Coding change: c.2452G>A on transcript NM_001303256.3 (MANE Select); coding-DNA position 2452, G replaced by A.
Protein change: p.Gly818Ser; replaces glycine 818 with serine.
Molecular consequence: missense variant.
Genome position (GRCh38, 1-based): chr22:30,932,959, C>T on the plus strand (G>A on the coding strand, the complement: MORC2 is on the minus strand). VCF-style: chr22-30932959-C-T. GRCh37 (hg19) VCF-style: chr22-31328946-C-T.
Other names: c.2452G>A, p.Gly818Ser (NM_001303257.2); c.2266G>A, p.Gly756Ser (NM_014941.3); short protein forms G756S, G818S.
Identifiers: ClinVar variation 861920 (VCV000861920.8), dbSNP rs2040597405, ClinGen allele CA411232334.